The following is an entry in ClinVar:

ClinVar aggregate classification (germline): Uncertain significance (1 of 4 stars; one submission).

Conditions:
Developmental and epileptic encephalopathy, 1 (DEE1). Also called: Epileptic encephalopathy, early infantile, 1; INFANTILE SPASM SYNDROME, X-LINKED 1; X-linked infantile spasms; West's syndrome; Tonic spasms with clustering, arrest of psychomotor development and hypsarrhythmia on EEG; X-Linked Infantile Spasm Syndrome. Identifiers: MedGen C3463992, MONDO:0010632, OMIM 308350. Disease mechanism: loss of function.
Autosomal recessive spinocerebellar ataxia 12. Also called: SPINOCEREBELLAR ATAXIA WITH MENTAL RETARDATION AND EPILEPSY. Identifiers: Orphanet 284282, MedGen C3280452, MONDO:0013687, OMIM 614322.

gnomAD v4.1: 1 of 1,614,164 alleles (0.000062%); highest among the groups gnomAD compares: South Asian, 0.0011%; no homozygotes.

Submission:

Labcorp Genetics (formerly Invitae), Labcorp
Classification: Uncertain significance for Developmental and epileptic encephalopathy, 1; Autosomal recessive spinocerebellar ataxia 12. Last evaluated: 2020-07-31. Review status: criteria provided, single submitter. Criteria: Invitae Variant Classification Sherloc (09022015). Collection method: clinical testing. Allele origin: germline.
Comment: In summary, the available evidence is currently insufficient to determine the role of this variant in disease. Therefore, it has been classified as a Variant of Uncertain Significance. Algorithms developed to predict the effect of missense changes on protein structure and function are either unavailable or do not agree on the potential impact of this missense change (SIFT: "Not Available"; PolyPhen-2: "Possibly Damaging"; Align-GVGD: "Not Available"). This variant has not been reported in the literature in individuals with WWOX-related conditions. This variant is not present in population databases (ExAC no frequency). This sequence change replaces glycine with arginine at codon 355 of the WWOX protein (p.Gly355Arg). The glycine residue is weakly conserved and there is a moderate physicochemical difference between glycine and arginine.

NM_016373.4(WWOX):c.1063G>A (p.Gly355Arg)

Genes: MAF (MAF bZIP transcription factor; minus strand), WWOX (WW domain containing oxidoreductase; plus strand). Cytogenetic location: 16q23.2.
Variant type: single nucleotide variant.
Coding change: c.1063G>A on transcript NM_016373.4 (MANE Select); coding-DNA position 1063, G replaced by A.
Protein change: p.Gly355Arg; replaces glycine 355 with arginine.
Molecular consequence: missense variant.
Genome position (GRCh38, 1-based): chr16:79,211,614, G>A. VCF-style: chr16-79211614-G-A. GRCh37 (hg19) VCF-style: chr16-79245511-G-A.
Other names: c.724G>A, p.Gly242Arg (NM_001291997.2); short protein forms G242R, G355R.
Identifiers: ClinVar variation 1016765 (VCV001016765.7), dbSNP rs2051753978, ClinGen allele CA396536933.
Genomic context (GRCh38, chr16:79,211,614, plus strand): 5'-TCTCATCACTCCTTTTCTTAAAATTTTTTTTTGTCTTTCTTCTTGGATTTCCAGCAACAG[G>A]GAGCTGCCACCACCGTGTACTGTGCTGCTGTCCCAGAACTGGAGGGTCTGGGAGGGATGT-3'
Protein context (NP_057457.1, residues 345-365): ARPFTKSMQQ[Gly355Arg]AATTVYCAAV